The following is an entry in ClinVar:

ClinVar aggregate classification (germline): Pathogenic (1 of 4 stars; one submission).

Conditions:
Familial adenomatous polyposis 1 (FAP1). Also called: FAMILIAL ADENOMATOUS POLYPOSIS 1, ATTENUATED; POLYPOSIS, ADENOMATOUS INTESTINAL. Identifiers: MedGen C2713442, MONDO:0021056, OMIM 175100. Disease mechanism: loss of function.

Submission:

Myriad Genetics, Inc.
Classification: Pathogenic for Familial adenomatous polyposis 1. Last evaluated: 2023-04-26. Review status: criteria provided, single submitter. Criteria: Myriad Autosomal Dominant, Autosomal Recessive and X-Linked Classification Criteria (2023). Collection method: clinical testing. Allele origin: unknown.
Comment: This variant is considered pathogenic. This variant creates a frameshift predicted to result in premature protein truncation.

NM_000038.6(APC):c.477_487delinsT (p.Ala160fs)

Gene: APC (APC regulator of Wnt signaling pathway; plus strand). Cytogenetic location: 5q22.2.
Variant type: Indel.
Coding change: c.477_487delinsT on transcript NM_000038.6 (MANE Select); coding-DNA positions 477 to 487, CGCTCAACTTC replaced by T.
Protein change: p.Ala160fs; shifts the reading frame from alanine 160.
Molecular consequence: frameshift variant. On other transcripts: 5 prime UTR variant (4), non-coding transcript variant (2).
Genome position (GRCh38, 1-based): chr5:112,775,683-112,775,693, CGCTCAACTTC replaced by T. VCF-style: chr5-112775683-CGCTCAACTTC-T. GRCh37 (hg19) VCF-style: chr5-112111380-CGCTCAACTTC-T.
Other names: c.477_487delinsT, p.Ala160fs (NM_001127510.3, NM_001354895.2, NM_001354896.2 and 16 more transcripts); c.507_517delinsT, p.Ala170fs (NM_001127511.3, NM_001354897.2, NM_001354902.2 and 1 more transcripts); c.402_412delinsT, p.Ala135fs (NM_001354898.2, NM_001354904.2, NM_001407451.1); c.300_310delinsT, p.Ala101fs (NM_001354900.2, NM_001354901.2, NM_001354905.2 and 1 more transcripts); c.-559_-549delinsT (NM_001354906.2, NM_001407470.1, NM_001407471.1 and 1 more transcripts); short protein forms A101fs, A135fs, A160fs, A170fs.
Identifiers: ClinVar variation 2583788 (VCV002583788.2), dbSNP rs2532414044, ClinGen allele CA2582341356.